The following is an entry in ClinVar:

NM_000726.5(CACNB4):c.521+5G>A

Gene: CACNB4 (calcium voltage-gated channel auxiliary subunit beta 4; minus strand). Cytogenetic location: 2q23.3.
Variant type: single nucleotide variant.
Coding change: c.521+5G>A on transcript NM_000726.5 (MANE Select); 5 bases into the intron after coding-DNA position 521, G replaced by A.
Molecular consequence: intron variant.
Genome position (GRCh38, 1-based): chr2:151,876,421, C>T on the plus strand (G>A on the coding strand, the complement: CACNB4 is on the minus strand). VCF-style: chr2-151876421-C-T. GRCh37 (hg19) VCF-style: chr2-152732935-C-T.
Other names: c.521+5G>A (NM_001145798.2); c.467+5G>A (NM_001330113.2, NM_001005746.4); c.419+5G>A (NM_001330115.2, NM_001005747.4); c.380+5G>A (NM_001330116.2, NM_001320722.3, NM_001330118.1); c.-114+5G>A (NM_001330114.2); c.-38+5G>A (NM_001330117.2).
Identifiers: ClinVar variation 585588 (VCV000585588.3), dbSNP rs768612563, ClinGen allele CA1912610.

ClinVar aggregate classification (germline): Uncertain significance (1 of 4 stars; one submission).

Allele frequency attached by ClinVar (database versions not stated): gnomAD 0.00004; ExAC 0.00002; gnomAD exomes 0.00003 and 0.00001; TOPMed 0.00003.
gnomAD v4.1: 19 of 1,595,678 alleles (0.0012%); highest among the groups gnomAD compares: African/African-American, 0.011%; no homozygotes.

Submission:

Athena Diagnostics
Classification: Uncertain significance. Last evaluated: 2024-11-22. Review status: criteria provided, single submitter. Criteria: Athena Diagnostics Criteria. Collection method: clinical testing. Allele origin: unknown.
Comment: Available data are insufficient to determine the clinical significance of the variant at this time. The frequency of this variant in the general population is higher than would generally be expected for pathogenic variants in this gene. This variant has been seen where an alternate explanation for disease was also identified, suggesting this variant may not cause disease. Computational tools yielded predictions that this variant may interfere with normal RNA splicing.